The following is an entry in ClinVar:

ClinVar aggregate classification (germline): Conflicting classifications of pathogenicity. Review status: criteria provided, conflicting classifications (1 of 4 stars). 6 submissions from 6 submitters: Pathogenic (1); Likely pathogenic (2); Uncertain significance (2). 1 of the submissions does not count toward it. Last evaluated 2026-03-19.

Conditions:
Mucopolysaccharidosis, MPS-III-B (MPS3B). Also called: SANFILIPPO SYNDROME B; MPS III B; MUCOPOLYSACCHARIDOSIS, TYPE IIIB; Mucopolysaccharidosis type IIIB (Sanfilippo B); MPS IIIB (Sanfilippo Syndrome Type B); N-ACETYL-ALPHA-D-GLUCOSAMINIDASE DEFICIENCY. Identifiers: Orphanet 79270, MedGen C0086648, MONDO:0009656, OMIM 252920.
Charcot-Marie-Tooth disease axonal type 2V. Also called: CHARCOT-MARIE-TOOTH NEUROPATHY, TYPE 2V; CHARCOT-MARIE-TOOTH DISEASE, AXONAL, AUTOSOMAL DOMINANT, TYPE 2V. Identifiers: Orphanet 447964, MedGen C5569050, MONDO:0014665, OMIM 616491.

Submissions (6):

Women's Health and Genetics/Laboratory Corporation of America, LabCorp
Classification: Likely pathogenic for Mucopolysaccharidosis, MPS-III-B. Last evaluated: 2026-03-19. Review status: criteria provided, single submitter. Criteria: LabCorp Variant Classification Summary - May 2015. Collection method: clinical testing. Allele origin: germline.
Comment: Variant summary: NAGLU c.2186_2188delAGA (p.Lys729del) results in an in-frame deletion that is predicted to remove 1 amino acid from the encoded protein. The variant allele was found at a frequency of 8e-06 in 250032 control chromosomes. c.2186_2188delAGA has been observed in individuals affected with Mucopolysaccharidosis Type IIIB (Sanfilippo Syndrome B) (Pollard_2013, Montenegro_2022, Tessitore_2000). These data indicate that the variant may be associated with disease. At least one publication reports experimental evidence evaluating an impact on protein function in vitro (Tessitore_2000). The most pronounced variant effect results in 10-<30% of normal activity. The following publications have been ascertained in the context of this evaluation (PMID: 34806811, 22976768, 11153910). ClinVar contains an entry for this variant (Variation ID: 553743). Based on the evidence outlined above, the variant was classified as likely pathogenic.

Natera, Inc.
Classification: Likely pathogenic for Mucopolysaccharidosis type IIIB. Last evaluated: 2025-11-24. Review status: criteria provided, single submitter. Criteria: Natera Variant Classification Schema (03/2026). Collection method: clinical testing. Allele origin: germline.
Comment: The c.2186_2188delAGA variant in NAGLU is an in-frame deletion predicted to remove lysine at amino acid 729 while preserving the reading frame. This variant is rare in the general population with a frequency below the threshold expected for the associated phenotype(s). This variant has been observed in one or more individuals affected with the associated recessive disease, as either homozygous or compound heterozygous with a second variant (PMID: 22976768, 34806811). Functional studies show that this variant may disrupt protein function (PMID: 11153910). This variant results in a change to the protein length while preserving reading frame, which may disrupt normal protein structure or function. Given the available evidence, this variant is classified as Likely Pathogenic.

GeneDx
Classification: Pathogenic. Last evaluated: 2025-10-23. Review status: criteria provided, single submitter. Criteria: GeneDx Variant Classification Process June 2021. Collection method: clinical testing. Allele origin: germline.
Comment: Published functional studies found this variant is associated with significantly reduced enzyme activity (PMID: 11153910); Not observed at significant frequency in large population cohorts (gnomAD); In silico analysis supports a deleterious effect on protein structure/function; In-frame deletion of 1 amino acid in a non-repeat region; Also known as c.2185delAGA; This variant is associated with the following publications: (PMID: 22976768, 11153910, 34806811)

Labcorp Genetics (formerly Invitae), Labcorp
Classification: Uncertain significance for Charcot-Marie-Tooth disease axonal type 2V; Mucopolysaccharidosis, MPS-III-B. Last evaluated: 2022-10-17. Review status: criteria provided, single submitter. Criteria: Invitae Variant Classification Sherloc (09022015). Collection method: clinical testing. Allele origin: germline.
Comment: This variant, c.2186_2188del, results in the deletion of 1 amino acid(s) of the NAGLU protein (p.Lys729del), but otherwise preserves the integrity of the reading frame. This variant is present in population databases (no rsID available, gnomAD 0.002%). This variant has been observed in individual(s) with mucopolysaccharidosis type IIIB (PMID: 22976768). ClinVar contains an entry for this variant (Variation ID: 553743). Algorithms developed to predict the effect of variants on protein structure and function are not available or were not evaluated for this variant. Experimental studies have shown that this variant affects NAGLU function (PMID: 11153910). In summary, the available evidence is currently insufficient to determine the role of this variant in disease. Therefore, it has been classified as a Variant of Uncertain Significance.

Revvity Omics, Revvity
Classification: Uncertain significance. Last evaluated: 2020-10-15. Review status: criteria provided, single submitter. Criteria: ACMG Guidelines, 2015. Collection method: clinical testing. Allele origin: germline.

Counsyl
Classification: Uncertain significance for Mucopolysaccharidosis, MPS-III-B. Last evaluated: 2017-09-06. Review status: no assertion criteria provided. Collection method: clinical testing. Allele origin: unknown. Not counted in ClinVar's aggregate classification.

Literature cited by the submitters: PubMed 22976768 (cited by 4 submitters); PubMed 11153910 (cited by 4 submitters); PubMed 34806811 (cited by Women's Health and Genetics/Laboratory Corporation of America, LabCorp and Natera, Inc.).

NM_000263.4(NAGLU):c.2183AGA[1] (p.Lys729del)

Gene: NAGLU (N-acetyl-alpha-glucosaminidase; plus strand). Cytogenetic location: 17q21.2.
Variant type: Microsatellite.
Coding change: c.2183AGA[1] on transcript NM_000263.4 (MANE Select); one copy of the 3-base unit AGA starting at c.2183; the reference has two copies in a row; one copy, 3 bases deleted; also written c.2186_2188del.
Protein change: p.Lys729del; deletes lysine 729.
Molecular consequence: inframe deletion.
Genome position (GRCh38, 1-based): chr17:42,544,192-42,544,194, AGA deleted; deleting any 3 consecutive bases within chr17:42,544,188-42,544,194 gives the same sequence; the position shown is the placement nearest the transcript's 3' end. VCF-style (leftmost placement, unchanged base first): chr17-42544187-CAAG-C. GRCh37 (hg19) VCF-style: chr17-40696205-CAAG-C.
Other names: c.2186_2188delAGA (NM_000263.3, NM_000263.4); c.2186_2188del (NM_000263.4); short protein forms K729del.
Identifiers: ClinVar variation 553743 (VCV000553743.13), dbSNP rs1216052074, ClinGen allele CA626218627.